The following is an entry in ClinVar:

NM_000346.4(SOX9):c.312C>A (p.His104Gln)

Genes: SOX9 (SRY-box transcription factor 9; plus strand), LOC108021846 (SOX9 promoter region; plus strand). Cytogenetic location: 17q24.3.
Variant type: single nucleotide variant.
Coding change: c.312C>A on transcript NM_000346.4 (MANE Select); coding-DNA position 312, C replaced by A.
Protein change: p.His104Gln; replaces histidine 104 with glutamine.
Molecular consequence: missense variant.
Genome position (GRCh38, 1-based): chr17:72,121,703, C>A. VCF-style: chr17-72121703-C-A. GRCh37 (hg19) VCF-style: chr17-70117844-C-A.
Other names: short protein forms H104Q.
Identifiers: ClinVar variation 4856309 (VCV004856309.1).
Genomic context (GRCh38, chr17:72,121,703, plus strand): 5'-CGACTGGACGCTGGTGCCCATGCCGGTGCGCGTCAACGGCTCCAGCAAGAACAAGCCGCA[C>A]GTCAAGCGGCCCATGAACGCCTTCATGGTGTGGGCGCAGGCGGCGCGCAGGAAGCTCGCG-3'
Protein context (NP_000337.1, residues 94-114): RVNGSSKNKP[His104Gln]VKRPMNAFMV

ClinVar aggregate classification (germline): Uncertain significance (1 of 4 stars; one submission).

Conditions:
Camptomelic dysplasia (CMPD). Also called: CMPD1/SRA1; Campomelic Dysplasia. Identifiers: Orphanet 140, MedGen C1861922, MONDO:0007251, OMIM 114290.

Submission:

3billion
Classification: Uncertain significance for Camptomelic dysplasia. Last evaluated: 2025-11-03. Review status: criteria provided, single submitter. Criteria: ACMG Guidelines, 2015. Collection method: clinical testing. Allele origin: germline. Affected: yes.
Comment: The variant is not observed in the gnomAD v4.1.0 dataset. Predicted Consequence/Location: Missense variant In silico tool predictions suggest damaging effect of the variant on gene or gene product [REVEL: 0.79 (>=0.6, sensitivity 0.68 and specificity 0.92); 3Cnet: 0.99 (> 0.75, sensitivity 0.96 and precision 0.92)]. Different missense changes at the same codon have been reported as of uncertain significance (ClinVar ID: VCV002630717). Therefore, this variant is classified as VUS according to the recommendation of ACMG/AMP guideline.